The following is an entry in ClinVar:

NM_001164508.2(NEB):c.13145C>T (p.Ala4382Val)

Gene: NEB (nebulin; minus strand). Cytogenetic location: 2q23.3.
Variant type: single nucleotide variant.
Coding change: c.13145C>T on transcript NM_001164508.2 (MANE Select); coding-DNA position 13145, C replaced by T.
Protein change: p.Ala4382Val; replaces alanine 4382 with valine.
Molecular consequence: missense variant. On other transcripts: intron variant (1).
Genome position (GRCh38, 1-based): chr2:151,603,687, G>A on the plus strand (C>T on the coding strand, the complement: NEB is on the minus strand). VCF-style: chr2-151603687-G-A. GRCh37 (hg19) VCF-style: chr2-152460201-G-A.
Other names: c.13145C>T, p.Ala4382Val (NM_001164507.2, NM_001271208.2); c.11601+6122C>T (NM_004543.5); short protein forms A4382V.
Identifiers: ClinVar variation 3896930 (VCV003896930.1).

ClinVar aggregate classification (germline): Uncertain significance (1 of 4 stars; one submission).

Submission:

Kariminejad - Najmabadi Pathology & Genetics Center
Classification: Uncertain significance. Last evaluated: 2022-09-30. Review status: criteria provided, single submitter. Criteria: ACMG Guidelines, 2015. Collection method: clinical testing. Allele origin: germline. Inheritance: Autosomal recessive inheritance. Affected: yes.
Comment: PM2, PP3